The following is an entry in ClinVar:

NM_002291.3(LAMB1):c.1483-14G>A

Gene: LAMB1 (laminin subunit beta 1; minus strand). Cytogenetic location: 7q31.1.
Variant type: single nucleotide variant.
Coding change: c.1483-14G>A on transcript NM_002291.3 (MANE Select); 14 bases into the intron before coding-DNA position 1483, G replaced by A.
Molecular consequence: intron variant.
Genome position (GRCh38, 1-based): chr7:107,973,085, C>T on the plus strand (G>A on the coding strand, the complement: LAMB1 is on the minus strand). VCF-style: chr7-107973085-C-T. GRCh37 (hg19) VCF-style: chr7-107613530-C-T.
Identifiers: ClinVar variation 382905 (VCV000382905.10), dbSNP rs115559402, ClinGen allele CA4436003.

ClinVar aggregate classification (germline): Benign/Likely benign. Review status: criteria provided, multiple submitters, no conflicts (2 of 4 stars). 3 submissions from 3 submitters: Benign (1); Likely benign (2). Last evaluated 2026-01-24.

Allele frequency attached by ClinVar (database versions not stated): gnomAD exomes 0.00032; ExAC 0.00042; gnomAD 0.00073; ESP Exome Variant Server 0.00092; TOPMed 0.00104; 1000 Genomes Project 30x 0.00265; 1000 Genomes Project 0.00280.
gnomAD v4.1: 369 of 1,609,696 alleles (0.023%); highest among the groups gnomAD compares: African/African-American, 0.39%; 2 homozygotes.

Submissions (3):

Labcorp Genetics (formerly Invitae), Labcorp
Classification: Benign. Last evaluated: 2026-01-24. Review status: criteria provided, single submitter. Criteria: Invitae Variant Classification Sherloc (09022015). Collection method: clinical testing. Allele origin: germline.

Blueprint Genetics
Classification: Likely benign. Last evaluated: 2020-08-19. Review status: criteria provided, single submitter. Criteria: ACMG Guidelines, 2015. Collection method: clinical testing. Allele origin: germline.

GeneDx
Classification: Likely benign. Last evaluated: 2016-01-27. Review status: criteria provided, single submitter. Criteria: GeneDx Variant Classification (06012015). Collection method: clinical testing. Allele origin: germline. Affected: yes.
Comment: This variant is considered likely benign or benign based on one or more of the following criteria: it is a conservative change, it occurs at a poorly conserved position in the protein, it is predicted to be benign by multiple in silico algorithms, and/or has population frequency not consistent with disease.